The following is an entry in ClinVar:

ClinVar aggregate classification (germline): Uncertain significance. Review status: criteria provided, multiple submitters, no conflicts (2 of 4 stars). 5 submissions from 2 submitters: Uncertain significance (5). Last evaluated 2024-04-06.

Conditions:
Cardiovascular phenotype. Identifiers: MedGen CN230736.
Short QT syndrome type 2. Identifiers: Orphanet 51083, MedGen C1865019, MONDO:0012313, OMIM 609621.
Atrial fibrillation, familial, 3 (ATFB3). Identifiers: MedGen C1837014, MONDO:0011857, OMIM 607554.
Jervell and Lange-Nielsen syndrome 1 (JLNS1). Also called: DEAFNESS, CONGENITAL, AND FUNCTIONAL HEART DISEASE; CARDIOAUDITORY SYNDROME OF JERVELL AND LANGE-NIELSEN; PROLONGED QT INTERVAL IN EKG AND SUDDEN DEATH; SURDO-CARDIAC SYNDROME. Identifiers: Orphanet 768, Orphanet 90647, MedGen C4551509, MONDO:0024540, OMIM 220400.
Long QT syndrome 1 (LQT1). Identifiers: Orphanet 101016, Orphanet 768, MedGen C4551647, MONDO:0100316, OMIM 192500, MONDO:0008646.

gnomAD v4.1: 15 of 1,330,620 alleles (0.0011%); highest among the groups gnomAD compares: East Asian, 0.044%; no homozygotes.

Submissions (5):

Ambry Genetics
Classification: Uncertain significance for Cardiovascular phenotype. Last evaluated: 2024-04-06. Review status: criteria provided, single submitter. Criteria: Ambry Variant Classification Scheme 2023. Collection method: clinical testing. Allele origin: germline.
Comment: The p.P63T variant (also known as c.187C>A), located in coding exon 1 of the KCNQ1 gene, results from a C to A substitution at nucleotide position 187. The proline at codon 63 is replaced by threonine, an amino acid with highly similar properties. This amino acid position is not well conserved in available vertebrate species. In addition, this alteration is predicted to be tolerated by in silico analysis. Based on the available evidence, the clinical significance of this variant remains unclear.

Illumina Laboratory Services, Illumina
Classification: Uncertain significance for Long QT syndrome 1. Last evaluated: 2018-01-13. Review status: criteria provided, single submitter. Criteria: ICSL Variant Classification Criteria 13 December 2019. Collection method: clinical testing. Allele origin: germline.

Illumina Laboratory Services, Illumina
Classification: Uncertain significance for Atrial fibrillation, familial, 3. Last evaluated: 2018-01-13. Review status: criteria provided, single submitter. Criteria: ICSL Variant Classification Criteria 13 December 2019. Collection method: clinical testing. Allele origin: germline.

Illumina Laboratory Services, Illumina
Classification: Uncertain significance for Jervell and Lange-Nielsen syndrome 1. Last evaluated: 2018-01-13. Review status: criteria provided, single submitter. Criteria: ICSL Variant Classification Criteria 13 December 2019. Collection method: clinical testing. Allele origin: germline.

Illumina Laboratory Services, Illumina
Classification: Uncertain significance for Short QT syndrome type 2. Last evaluated: 2018-01-13. Review status: criteria provided, single submitter. Criteria: ICSL Variant Classification Criteria 13 December 2019. Collection method: clinical testing. Allele origin: germline.

NM_000218.3(KCNQ1):c.187C>A (p.Pro63Thr)

Gene: KCNQ1 (potassium voltage-gated channel subfamily Q member 1; plus strand). Cytogenetic location: 11p15.5.
Variant type: single nucleotide variant.
Coding change: c.187C>A on transcript NM_000218.3 (MANE Select); coding-DNA position 187, C replaced by A.
Protein change: p.Pro63Thr; replaces proline 63 with threonine.
Molecular consequence: missense variant.
Genome position (GRCh38, 1-based): chr11:2,445,285, C>A. VCF-style: chr11-2445285-C-A. GRCh37 (hg19) VCF-style: chr11-2466515-C-A.
Other names: short protein forms P63T.
Identifiers: ClinVar variation 879571 (VCV000879571.5), dbSNP rs1280717988, ClinGen allele CA379116546.
Genomic context (GRCh38, chr11:2,445,285, plus strand): 5'-GGCGGCCCGGCGGGCGGCGCGCTCTACGCGCCCATCGCGCCCGGCGCCCCAGGTCCCGCG[C>A]CCCCTGCGTCCCCGGCCGCGCCCGCCGCGCCCCCAGTTGCCTCCGACCTTGGCCCGCGGC-3'
Protein context (NP_000209.2, residues 53-73): PIAPGAPGPA[Pro63Thr]PASPAAPAAP